The following is an entry in ClinVar:

ClinVar aggregate classification (germline): Uncertain significance (1 of 4 stars; one submission).

Conditions:
Citrin deficiency. Identifiers: Orphanet 247582, MedGen C1997910, MONDO:0016602.

Allele frequency attached by ClinVar (database versions not stated): gnomAD exomes below 0.00001.

Submission:

Labcorp Genetics (formerly Invitae), Labcorp
Classification: Uncertain significance for Citrin deficiency. Last evaluated: 2021-08-30. Review status: criteria provided, single submitter. Criteria: Invitae Variant Classification Sherloc (09022015). Collection method: clinical testing. Allele origin: germline.
Comment: This sequence change replaces serine with cysteine at codon 36 of the SLC25A13 protein (p.Ser36Cys). The serine residue is moderately conserved and there is a moderate physicochemical difference between serine and cysteine. This variant is not present in population databases (ExAC no frequency). This variant has not been reported in the literature in individuals affected with SLC25A13-related conditions. Algorithms developed to predict the effect of missense changes on protein structure and function are either unavailable or do not agree on the potential impact of this missense change (SIFT: "Deleterious"; PolyPhen-2: "Benign"; Align-GVGD: "Class C0"). In summary, the available evidence is currently insufficient to determine the role of this variant in disease. Therefore, it has been classified as a Variant of Uncertain Significance.

NM_014251.3(SLC25A13):c.107C>G (p.Ser36Cys)

Gene: SLC25A13 (solute carrier family 25 member 13; minus strand). Cytogenetic location: 7q21.3.
Variant type: single nucleotide variant.
Coding change: c.107C>G on transcript NM_014251.3 (MANE Select); coding-DNA position 107, C replaced by G.
Protein change: p.Ser36Cys; replaces serine 36 with cysteine.
Molecular consequence: missense variant. On other transcripts: non-coding transcript variant (1).
Genome position (GRCh38, 1-based): chr7:96,277,301, G>C on the plus strand (C>G on the coding strand, the complement: SLC25A13 is on the minus strand). VCF-style: chr7-96277301-G-C. GRCh37 (hg19) VCF-style: chr7-95906613-G-C.
Other names: c.107C>G, p.Ser36Cys (NM_001160210.2); short protein forms S36C.
Identifiers: ClinVar variation 1019883 (VCV001019883.6), dbSNP rs1447976736, ClinGen allele CA368406666.